The following is an entry in ClinVar:

NM_001127178.3(PIGG):c.1114+9A>G

Gene: PIGG (phosphatidylinositol glycan anchor biosynthesis class G (EMM blood group); plus strand). Cytogenetic location: 4p16.3.
Variant type: single nucleotide variant.
Coding change: c.1114+9A>G on transcript NM_001127178.3 (MANE Select); 9 bases into the intron after coding-DNA position 1114, A replaced by G.
Molecular consequence: intron variant.
Genome position (GRCh38, 1-based): chr4:516,194, A>G. VCF-style: chr4-516194-A-G. GRCh37 (hg19) VCF-style: chr4-509983-A-G.
Other names: c.-99+9A>G (NM_001345994.2); c.847+9A>G (NM_001345986.2, NM_001345987.2, NM_001289051.2 and 2 more transcripts); c.-374+9A>G (NM_001345991.2); c.85+9A>G (NM_001345988.2); c.-512+9A>G (NM_001345990.2); c.1114+9A>G (NM_017733.5, NM_001345989.2); c.715+9A>G (NM_001289052.2); c.748+9A>G (NM_001289055.2).
Identifiers: ClinVar variation 445675 (VCV000445675.16), dbSNP rs150974506, ClinGen allele CA2793201.

ClinVar aggregate classification (germline): Benign/Likely benign. Review status: criteria provided, multiple submitters, no conflicts (2 of 4 stars). 4 submissions from 4 submitters: Benign (2); Likely benign (1). 1 of the submissions does not count toward it. Last evaluated 2026-02-01.

Conditions:
PIGG-related disorder. Also called: PIGG-related condition.
Intellectual disability, autosomal recessive 53 (NEDHSCA). Also called: GLYCOSYLPHOSPHATIDYLINOSITOL BIOSYNTHESIS DEFECT 13; Mental retardation, autosomal recessive 53; NEURODEVELOPMENTAL DISORDER WITH OR WITHOUT HYPOTONIA, SEIZURES, AND CEREBELLAR ATROPHY. Identifiers: Orphanet 488635, MedGen C4310794, MONDO:0014832, OMIM 616917.

Allele frequency attached by ClinVar (database versions not stated): ESP Exome Variant Server 0.00023; gnomAD exomes 0.00145 and 0.00340; gnomAD 0.00159 and 0.00197; TOPMed 0.00226; ExAC 0.00306; 1000 Genomes Project 30x 0.00671; 1000 Genomes Project 0.00739.
gnomAD v4.1: 2,400 of 1,594,048 alleles (0.15%); highest among the groups gnomAD compares: East Asian, 3.8%; 42 homozygotes.

Submissions (4):

Labcorp Genetics (formerly Invitae), Labcorp
Classification: Benign for Intellectual disability, autosomal recessive 53. Last evaluated: 2026-02-01. Review status: criteria provided, single submitter. Criteria: Invitae Variant Classification Sherloc (09022015). Collection method: clinical testing. Allele origin: germline.

GeneDx
Classification: Likely benign. Last evaluated: 2021-05-28. Review status: criteria provided, single submitter. Criteria: GeneDx Variant Classification Process June 2021. Collection method: clinical testing. Allele origin: germline. Affected: yes.

Center for Pediatric Genomic Medicine, Children's Mercy Hospital and Clinics
Classification: Benign. Last evaluated: 2017-06-05. Review status: criteria provided, single submitter. Criteria: ACMG Guidelines, 2015. Collection method: clinical testing. Allele origin: germline.

PreventionGenetics, part of Exact Sciences
Classification: Benign for PIGG-related condition. Last evaluated: 2019-07-29. Review status: no assertion criteria provided. Collection method: clinical testing. Allele origin: germline. Not counted in ClinVar's aggregate classification.
Comment: This variant is classified as benign based on ACMG/AMP sequence variant interpretation guidelines (Richards et al. 2015 PMID: 25741868, with internal and published modifications).